The following is an entry in ClinVar:

ClinVar aggregate classification (germline): Uncertain significance. Review status: criteria provided, multiple submitters, no conflicts (2 of 4 stars). 2 submissions from 2 submitters: Uncertain significance (2). Last evaluated 2025-08-14.

Allele frequency attached by ClinVar (database versions not stated): TOPMed 0.00001.
gnomAD v4.1: 2 of 1,613,384 alleles (0.00012%); highest among the groups gnomAD compares: African/African-American, 0.0027%; no homozygotes.

Submissions (2):

Labcorp Genetics (formerly Invitae), Labcorp
Classification: Uncertain significance. Last evaluated: 2025-08-14. Review status: criteria provided, single submitter. Criteria: Invitae Variant Classification Sherloc (09022015). Collection method: clinical testing. Allele origin: germline.
Comment: This sequence change replaces glutamine, which is neutral and polar, with arginine, which is basic and polar, at codon 1172 of the CNGB1 protein (p.Gln1172Arg). This variant is present in population databases (rs751766451, gnomAD 0.007%). This missense change has been observed in individual(s) with clinical features of retinitis pigmentosa (internal data). ClinVar contains an entry for this variant (Variation ID: 1385944). Invitae Evidence Modeling of protein sequence and biophysical properties (such as structural, functional, and spatial information, amino acid conservation, physicochemical variation, residue mobility, and thermodynamic stability) indicates that this missense variant is not expected to disrupt CNGB1 protein function with a negative predictive value of 95%. In summary, the available evidence is currently insufficient to determine the role of this variant in disease. Therefore, it has been classified as a Variant of Uncertain Significance.

Blueprint Genetics
Classification: Uncertain significance. Last evaluated: 2019-09-27. Review status: criteria provided, single submitter. Criteria: ACMG Guidelines, 2015. Collection method: clinical testing. Allele origin: germline.

NM_001297.5(CNGB1):c.3515A>G (p.Gln1172Arg)

Gene: CNGB1 (cyclic nucleotide gated channel subunit beta 1; minus strand). Cytogenetic location: 16q21.
Variant type: single nucleotide variant.
Coding change: c.3515A>G on transcript NM_001297.5 (MANE Select); coding-DNA position 3515, A replaced by G.
Protein change: p.Gln1172Arg; replaces glutamine 1172 with arginine.
Molecular consequence: missense variant.
Genome position (GRCh38, 1-based): chr16:57,884,405, T>C on the plus strand (A>G on the coding strand, the complement: CNGB1 is on the minus strand). VCF-style: chr16-57884405-T-C. GRCh37 (hg19) VCF-style: chr16-57918309-T-C.
Other names: c.3497A>G, p.Gln1166Arg (NM_001286130.2); short protein forms Q1166R, Q1172R.
Identifiers: ClinVar variation 1385944 (VCV001385944.9), dbSNP rs751766451, ClinGen allele CA8082521.
Genomic context (GRCh38, chr16:57,884,405, plus strand): 5'-GGCTCGGGGGGCGTCCGGGGCGCGGGTGGGTCGGTGGCGGCCTCCTTTGGGTGCGTGTGC[T>C]GGTCTGGGGCGGCGGAGCCTTCCTCTCCCTTGACGTCTTGCGAGCTCTTGGCCTGGAATC-3'
Protein context (NP_001288.3, residues 1162-1182): KGEEGSAAPD[Gln1172Arg]HTHPKEAATD